The following is an entry in ClinVar:

NM_013314.4(BLNK):c.201C>G (p.Asp67Glu)

Gene: BLNK (B cell linker; minus strand). Cytogenetic location: 10q24.1.
Variant type: single nucleotide variant.
Coding change: c.201C>G on transcript NM_013314.4 (MANE Select); coding-DNA position 201, C replaced by G.
Protein change: p.Asp67Glu; replaces aspartic acid 67 with glutamic acid.
Molecular consequence: missense variant. On other transcripts: non-coding transcript variant (4).
Genome position (GRCh38, 1-based): chr10:96,230,797, G>C on the plus strand (C>G on the coding strand, the complement: BLNK is on the minus strand). VCF-style: chr10-96230797-G-C. GRCh37 (hg19) VCF-style: chr10-97990553-G-C.
Other names: c.201C>G, p.Asp67Glu (NM_001114094.2, NM_001258440.2, NM_001258441.2 and 1 more transcripts); short protein forms D67E.
Identifiers: ClinVar variation 1026824 (VCV001026824.8), dbSNP rs782619779, ClinGen allele CA5623558.

ClinVar aggregate classification (germline): Uncertain significance (1 of 4 stars; one submission).

Conditions:
Agammaglobulinemia 4, autosomal recessive (AGM4). Also called: AGAMMAGLOBULINEMIA, AUTOSOMAL RECESSIVE, DUE TO BLNK DEFECT; B cell linker protein deficiency. Identifiers: MedGen C3150752, MONDO:0013289, OMIM 613502.

Allele frequency attached by ClinVar (database versions not stated): gnomAD exomes below 0.00001 and 0.00001; TOPMed below 0.00001; ExAC 0.00001.
gnomAD v4.1: 4 of 1,610,042 alleles (0.00025%); highest among the groups gnomAD compares: Admixed American, 0.0034%; no homozygotes.

Submission:

Labcorp Genetics (formerly Invitae), Labcorp
Classification: Uncertain significance for Agammaglobulinemia 4, autosomal recessive. Last evaluated: 2022-09-01. Review status: criteria provided, single submitter. Criteria: Invitae Variant Classification Sherloc (09022015). Collection method: clinical testing. Allele origin: germline.
Comment: In summary, the available evidence is currently insufficient to determine the role of this variant in disease. Therefore, it has been classified as a Variant of Uncertain Significance. Algorithms developed to predict the effect of missense changes on protein structure and function are either unavailable or do not agree on the potential impact of this missense change (SIFT: "Tolerated"; PolyPhen-2: "Possibly Damaging"; Align-GVGD: "Class C0"). ClinVar contains an entry for this variant (Variation ID: 1026824). This variant has not been reported in the literature in individuals affected with BLNK-related conditions. This variant is present in population databases (rs782619779, gnomAD 0.006%). This sequence change replaces aspartic acid, which is acidic and polar, with glutamic acid, which is acidic and polar, at codon 67 of the BLNK protein (p.Asp67Glu).